The following is an entry in ClinVar:

NM_001851.6(COL9A1):c.1197+6T>A

Gene: COL9A1 (collagen type IX alpha 1 chain; minus strand). Cytogenetic location: 6q13.
Variant type: single nucleotide variant.
Coding change: c.1197+6T>A on transcript NM_001851.6 (MANE Select); 6 bases into the intron after coding-DNA position 1197, T replaced by A.
Molecular consequence: intron variant.
Genome position (GRCh38, 1-based): chr6:70,270,308, A>T on the plus strand (T>A on the coding strand, the complement: COL9A1 is on the minus strand). VCF-style: chr6-70270308-A-T. GRCh37 (hg19) VCF-style: chr6-70980011-A-T.
Other names: c.468+6T>A (NM_001377290.1, NM_078485.4, NM_001377289.1).
Identifiers: ClinVar variation 1386814 (VCV001386814.3), dbSNP rs377762690, ClinGen allele CA140879371.

ClinVar aggregate classification (germline): Uncertain significance (1 of 4 stars; one submission).

Allele frequency attached by ClinVar (database versions not stated): gnomAD exomes 0.00001 and 0.00003; gnomAD 0.00002; TOPMed 0.00002; ESP Exome Variant Server 0.00008.
gnomAD v4.1: 48 of 1,613,382 alleles (0.003%); highest among the groups gnomAD compares: Non-Finnish European, 0.0036%; no homozygotes.

Submission:

Labcorp Genetics (formerly Invitae), Labcorp
Classification: Uncertain significance. Last evaluated: 2021-01-02. Review status: criteria provided, single submitter. Criteria: Invitae Variant Classification Sherloc (09022015). Collection method: clinical testing. Allele origin: germline.
Comment: This sequence change falls in intron 15 of the COL9A1 gene. It does not directly change the encoded amino acid sequence of the COL9A1 protein. It affects a nucleotide within the consensus splice site of the intron. This variant is not present in population databases (ExAC no frequency). This variant has not been reported in the literature in individuals with COL9A1-related conditions. Nucleotide substitutions within the consensus splice site are a relatively common cause of aberrant splicing (PMID: 17576681, 9536098). Algorithms developed to predict the effect of sequence changes on RNA splicing suggest that this variant may disrupt the consensus splice site, but this prediction has not been confirmed by published transcriptional studies. In summary, the available evidence is currently insufficient to determine the role of this variant in disease. Therefore, it has been classified as a Variant of Uncertain Significance.

Literature cited by the submitters: PubMed 17576681; PubMed 9536098.